The following is an entry in ClinVar:

NM_015335.5(MED13L):c.5665A>G (p.Met1889Val)

Gene: MED13L (mediator complex subunit 13L; minus strand). Cytogenetic location: 12q24.21.
Variant type: single nucleotide variant.
Coding change: c.5665A>G on transcript NM_015335.5 (MANE Select); coding-DNA position 5665, A replaced by G.
Protein change: p.Met1889Val; replaces methionine 1889 with valine.
Molecular consequence: missense variant.
Genome position (GRCh38, 1-based): chr12:115,975,237, T>C on the plus strand (A>G on the coding strand, the complement: MED13L is on the minus strand). VCF-style: chr12-115975237-T-C. GRCh37 (hg19) VCF-style: chr12-116413042-T-C.
Other names: short protein forms M1889V.
Identifiers: ClinVar variation 2629221 (VCV002629221.1), dbSNP rs2499797107, ClinGen allele CA386878331.

ClinVar aggregate classification (germline): Uncertain significance (1 of 4 stars; one submission).

Conditions:
MED13L-related disorder. Also called: MED13L-related condition.

Allele frequency attached by ClinVar (database versions not stated): gnomAD exomes below 0.00001.

Submission:

PreventionGenetics, part of Exact Sciences
Classification: Uncertain significance for MED13L-related condition. Last evaluated: 2023-05-24. Review status: criteria provided, single submitter. Criteria: ACMG Guidelines, 2015. Collection method: clinical testing. Allele origin: germline.
Comment: The MED13L c.5665A>G variant is predicted to result in the amino acid substitution p.Met1889Val. To our knowledge, this variant has not been reported in the literature or in a large population database, indicating this variant is rare. At this time, the clinical significance of this variant is uncertain due to the absence of conclusive functional and genetic evidence.